The following is an entry in ClinVar:

ClinVar aggregate classification (germline): Uncertain significance (1 of 4 stars; one submission).

Allele frequency attached by ClinVar (database versions not stated): gnomAD exomes below 0.00001; gnomAD 0.00001; TOPMed 0.00001.
gnomAD v4.1: 2 of 1,610,056 alleles (0.00012%); highest among the groups gnomAD compares: Non-Finnish European, 0.00017%; no homozygotes.

Submission:

Labcorp Genetics (formerly Invitae), Labcorp
Classification: Uncertain significance. Last evaluated: 2022-05-12. Review status: criteria provided, single submitter. Criteria: Invitae Variant Classification Sherloc (09022015). Collection method: clinical testing. Allele origin: germline.
Comment: In summary, the available evidence is currently insufficient to determine the role of this variant in disease. Therefore, it has been classified as a Variant of Uncertain Significance. Advanced modeling of protein sequence and biophysical properties (such as structural, functional, and spatial information, amino acid conservation, physicochemical variation, residue mobility, and thermodynamic stability) performed at Invitae indicates that this missense variant is not expected to disrupt CPLANE1 protein function. This variant has not been reported in the literature in individuals affected with CPLANE1-related conditions. This variant is not present in population databases (gnomAD no frequency). This sequence change replaces isoleucine, which is neutral and non-polar, with valine, which is neutral and non-polar, at codon 1358 of the CPLANE1 protein (p.Ile1358Val).

NM_001384732.1(CPLANE1):c.4072A>G (p.Ile1358Val)

Gene: CPLANE1 (ciliogenesis and planar polarity effector complex subunit 1; minus strand). Cytogenetic location: 5p13.2.
Variant type: single nucleotide variant.
Coding change: c.4072A>G on transcript NM_001384732.1 (MANE Select); coding-DNA position 4072, A replaced by G.
Protein change: p.Ile1358Val; replaces isoleucine 1358 with valine.
Molecular consequence: missense variant.
Genome position (GRCh38, 1-based): chr5:37,187,422, T>C on the plus strand (A>G on the coding strand, the complement: CPLANE1 is on the minus strand). VCF-style: chr5-37187422-T-C. GRCh37 (hg19) VCF-style: chr5-37187524-T-C.
Other names: c.4072A>G, p.Ile1358Val (NM_023073.4); short protein forms I1358V.
Identifiers: ClinVar variation 1517414 (VCV001517414.5), dbSNP rs1177512793, ClinGen allele CA359504890.